The following is an entry in ClinVar:

ClinVar aggregate classification (germline): Uncertain significance. Review status: criteria provided, multiple submitters, no conflicts (2 of 4 stars). 2 submissions from 2 submitters: Uncertain significance (2). Last evaluated 2025-09-05.

Conditions:
Inborn genetic diseases. Identifiers: MedGen C0950123, MeSH D030342.
Immunodeficiency 104. Also called: IMMUNODEFICIENCY 104, SEVERE COMBINED; Severe combined immunodeficiency, autosomal recessive, T cell-negative, B cell-positive, NK cell-positive; SCID, AUTOSOMAL RECESSIVE, T CELL-NEGATIVE, B CELL-POSITIVE, NK CELL-POSITIVE; Severe Combined Immune Deficiency, Autosomal Recessive, TCell -Negative, B Cell-Positive, NK Cell-Positive, IL7R-Related. Identifiers: MedGen C5676890, MONDO:0012163, OMIM 608971.

gnomAD v4.1: 2 of 1,612,390 alleles (0.00012%); highest among the groups gnomAD compares: Non-Finnish European, 0.00017%; no homozygotes.

Submissions (2):

Ambry Genetics
Classification: Uncertain significance for Inborn genetic diseases. Last evaluated: 2025-09-05. Review status: criteria provided, single submitter. Criteria: Ambry Variant Classification Scheme 2023. Collection method: clinical testing. Allele origin: germline.

Labcorp Genetics (formerly Invitae), Labcorp
Classification: Uncertain significance for Immunodeficiency 104. Last evaluated: 2022-02-11. Review status: criteria provided, single submitter. Criteria: Invitae Variant Classification Sherloc (09022015). Collection method: clinical testing. Allele origin: germline.
Comment: This sequence change replaces serine, which is neutral and polar, with isoleucine, which is neutral and non-polar, at codon 665 of the PTPRC protein (p.Ser665Ile). This variant is not present in population databases (gnomAD no frequency). This variant has not been reported in the literature in individuals affected with PTPRC-related conditions. Algorithms developed to predict the effect of missense changes on protein structure and function are either unavailable or do not agree on the potential impact of this missense change (SIFT: "Deleterious"; PolyPhen-2: "Probably Damaging"; Align-GVGD: "Class C0"). In summary, the available evidence is currently insufficient to determine the role of this variant in disease. Therefore, it has been classified as a Variant of Uncertain Significance.

NM_002838.5(PTPRC):c.1994G>T (p.Ser665Ile)

Gene: PTPRC (protein tyrosine phosphatase receptor type C; plus strand). Cytogenetic location: 1q32.1.
Variant type: single nucleotide variant.
Coding change: c.1994G>T on transcript NM_002838.5 (MANE Select); coding-DNA position 1994, G replaced by T.
Protein change: p.Ser665Ile; replaces serine 665 with isoleucine.
Molecular consequence: missense variant.
Genome position (GRCh38, 1-based): chr1:198,732,319, G>T. VCF-style: chr1-198732319-G-T. GRCh37 (hg19) VCF-style: chr1-198701448-G-T.
Other names: c.1511G>T, p.Ser504Ile (NM_080921.4); c.1988G>T (NM_002838.3); short protein forms S504I, S665I.
Identifiers: ClinVar variation 1976623 (VCV001976623.3), dbSNP rs2527937431, ClinGen allele CA344045080.